The following is an entry in ClinVar:

NM_032043.3(BRIP1):c.1417del (p.Met473fs)

Gene: BRIP1 (BRCA1 interacting DNA helicase 1; minus strand). Cytogenetic location: 17q23.2.
Variant type: Deletion.
Coding change: c.1417del on transcript NM_032043.3 (MANE Select); coding-DNA position 1417, one base deleted (A; older notation c.1417delA).
Protein change: p.Met473fs; shifts the reading frame from methionine 473.
Molecular consequence: frameshift variant.
Genome position (GRCh38, 1-based): chr17:61,793,653, T deleted on the plus strand (A on the coding strand, the reverse complement: BRIP1 is on the minus strand); the first of 3 consecutive T bases (chr17:61,793,653-61,793,655); deleting any one gives the same sequence. VCF-style (leftmost placement, unchanged base first): chr17-61793652-AT-A. GRCh37 (hg19) VCF-style: chr17-59871013-AT-A.
Other names: short protein forms M473fs.
Identifiers: ClinVar variation 1428883 (VCV001428883.7), dbSNP rs2145241576, ClinGen allele CA2573154342.

ClinVar aggregate classification (germline): Pathogenic (1 of 4 stars; one submission).

Conditions:
Familial cancer of breast. Also called: BREAST CANCER, FAMILIAL; hereditary breast carcinoma; Hereditary breast cancer. Identifiers: Orphanet 227535, MedGen C0346153, MONDO:0016419, OMIM 114480. Disease mechanism: loss of function.
Fanconi anemia complementation group J. Also called: BRIP1-Related Fanconi Anemia. Identifiers: Orphanet 84, MedGen C1836860, MONDO:0012187, OMIM 609054.

Submission:

Labcorp Genetics (formerly Invitae), Labcorp
Classification: Pathogenic for Familial cancer of breast; Fanconi anemia complementation group J. Last evaluated: 2021-09-15. Review status: criteria provided, single submitter. Criteria: Invitae Variant Classification Sherloc (09022015). Collection method: clinical testing. Allele origin: germline.
Comment: For these reasons, this variant has been classified as Pathogenic. This variant has not been reported in the literature in individuals affected with BRIP1-related conditions. This variant is not present in population databases (ExAC no frequency). This sequence change creates a premature translational stop signal (p.Met473Cysfs*3) in the BRIP1 gene. It is expected to result in an absent or disrupted protein product. Loss-of-function variants in BRIP1 are known to be pathogenic (PMID: 16116423, 17033622, 21964575).

Literature cited by the submitters: PubMed 16116423; PubMed 17033622; PubMed 21964575.